The following is an entry in ClinVar:

ClinVar aggregate classification (germline): Pathogenic/Likely pathogenic. Review status: criteria provided, multiple submitters, no conflicts (2 of 4 stars). 3 submissions from 3 submitters: Pathogenic (1); Likely pathogenic (2). Last evaluated 2025-09-13.

Conditions:
Hereditary cancer-predisposing syndrome. Also called: Hereditary neoplastic syndrome; Neoplastic Syndromes, Hereditary; Hereditary Cancer Syndrome; Tumor predisposition. Identifiers: Orphanet 140162, MedGen C0027672, MeSH D009386, MONDO:0015356.
Hereditary leiomyomatosis and renal cell cancer. Also called: MULTIPLE CUTANEOUS AND UTERINE LEIOMYOMATA 1, WITH OR WITHOUT RENAL CELL CARCINOMA; LEIOMYOMA, MULTIPLE CUTANEOUS; Familial leiomyomatosis; Multiple cutaneous leiomyomas; FH tumor predisposition syndrome; Reed syndrome. Identifiers: Orphanet 523, MedGen C1708350, MONDO:0007888, OMIM 150800, HP:0007437. Disease mechanism: loss of function.

Submissions (4):

Labcorp Genetics (formerly Invitae), Labcorp
Classification: Pathogenic. Last evaluated: 2025-09-13. Review status: criteria provided, single submitter. Criteria: Invitae Variant Classification Sherloc (09022015). Collection method: clinical testing. Allele origin: germline.
Comment: This sequence change replaces glycine, which is neutral and non-polar, with glutamic acid, which is acidic and polar, at codon 326 of the FH protein (p.Gly326Glu). This variant is not present in population databases (gnomAD no frequency). This missense change has been observed in individual(s) with leiomyomas (PMID: 35251648; internal data). ClinVar contains an entry for this variant (Variation ID: 529807). Invitae Evidence Modeling of protein sequence and biophysical properties (such as structural, functional, and spatial information, amino acid conservation, physicochemical variation, residue mobility, and thermodynamic stability) indicates that this missense variant is expected to disrupt FH protein function with a positive predictive value of 95%. For these reasons, this variant has been classified as Pathogenic.

Ambry Genetics
Classification: Likely pathogenic for Hereditary cancer-predisposing syndrome. Last evaluated: 2025-01-15. Review status: criteria provided, single submitter. Criteria: Ambry Variant Classification Scheme 2023. Collection method: clinical testing. Allele origin: germline.
Comment: The p.G326E variant (also known as c.977G>A), located in coding exon 7 of the FH gene, results from a G to A substitution at nucleotide position 977. The glycine at codon 326 is replaced by glutamic acid, an amino acid with similar properties. This amino acid position is highly conserved in available vertebrate species. In addition, this alteration is predicted to be deleterious by in silico analysis. This alteration has been observed in at least one individual who has a personal or family history that is consistent with FH-associated disease (Ambry internal data; Franke K et al. Clin Case Rep, 2022 Mar;10:e05513). This variant is considered to be rare based on population cohorts in the Genome Aggregation Database (gnomAD). Based on the majority of available evidence to date, this variant is likely to be pathogenic.

Myriad Genetics, Inc.
Classification: Likely pathogenic for Hereditary leiomyomatosis and renal cell cancer. Last evaluated: 2023-07-05. Review status: criteria provided, single submitter. Criteria: Myriad Autosomal Dominant, Autosomal Recessive and X-Linked Classification Criteria (2023). Collection method: clinical testing. Allele origin: unknown.
Comment: This variant is considered likely pathogenic. This variant has been reported in multiple individuals with clinical features of gene-specific disease [PMID: 35251648]. Functional studies indicate this variant impacts protein function [PMID: 35216667]. This variant is expected to disrupt protein structure [Myriad internal data].

Blake Wilde Laboratory, Roswell Park Comprehensive Cancer Center
No classification provided (evidence only). Condition: Hereditary leiomyomatosis and renal cell cancer. Review status: no classification provided. Collection method: in vitro. Allele origin: not applicable. Functional consequence: decreased enzyme activity. Not counted in ClinVar's aggregate classification.

Literature cited by the submitters: PubMed 35251648 (cited by 3 submitters); PubMed 35216667 (cited by Myriad Genetics, Inc.).

NM_000143.4(FH):c.977G>A (p.Gly326Glu)

Gene: FH (fumarate hydratase; minus strand). Cytogenetic location: 1q43.
Variant type: single nucleotide variant.
Coding change: c.977G>A on transcript NM_000143.4 (MANE Select); coding-DNA position 977, G replaced by A.
Protein change: p.Gly326Glu; replaces glycine 326 with glutamic acid.
Molecular consequence: missense variant.
Genome position (GRCh38, 1-based): chr1:241,504,173, C>T on the plus strand (G>A on the coding strand, the complement: FH is on the minus strand). VCF-style: chr1-241504173-C-T. GRCh37 (hg19) VCF-style: chr1-241667473-C-T.
Other names: short protein forms G326E.
Identifiers: ClinVar variation 529807 (VCV000529807.14), dbSNP rs1553341037, ClinGen allele CA345438297.